The following is an entry in ClinVar:

NM_001172509.2(SATB2):c.286C>G (p.Leu96Val)

Gene: SATB2 (SATB homeobox 2; minus strand). Cytogenetic location: 2q33.1.
Variant type: single nucleotide variant.
Coding change: c.286C>G on transcript NM_001172509.2 (MANE Select); coding-DNA position 286, C replaced by G.
Protein change: p.Leu96Val; replaces leucine 96 with valine.
Molecular consequence: missense variant. On other transcripts: non-coding transcript variant (1).
Genome position (GRCh38, 1-based): chr2:199,433,398, G>C on the plus strand (C>G on the coding strand, the complement: SATB2 is on the minus strand). VCF-style: chr2-199433398-G-C. GRCh37 (hg19) VCF-style: chr2-200298121-G-C.
Other names: c.286C>G, p.Leu96Val (NM_001172517.1, NM_015265.4); short protein forms L96V.
Identifiers: ClinVar variation 4976468 (VCV004976468.1).

ClinVar aggregate classification (germline): Uncertain significance (1 of 4 stars; one submission).

Submission:

GeneDx
Classification: Uncertain significance. Last evaluated: 2026-02-09. Review status: criteria provided, single submitter. Criteria: GeneDx Variant Classification Process June 2021. Collection method: clinical testing. Allele origin: germline.
Comment: Not observed at significant frequency in large population cohorts (gnomAD); In silico analysis suggests that this missense variant does not alter protein structure/function; Has not been previously published as pathogenic or benign to our knowledge